The following is an entry in ClinVar:

ClinVar aggregate classification (germline): Likely pathogenic (1 of 4 stars; one submission).

Conditions:
Mucopolysaccharidosis, MPS-III-A (MPS3A). Also called: HEPARAN SULFATE SULFATASE DEFICIENCY; SANFILIPPO SYNDROME A; SULFAMIDASE DEFICIENCY; MPS III A; Mucopolysaccharidosis, type IIIA; mucopolysaccharidosis type 3A. Identifiers: Orphanet 581, Orphanet 79269, MedGen C0086647, MONDO:0009655, OMIM 252900.

Submission:

Dubai Health Genomic Medicine Center, Dubai Health
Classification: Likely pathogenic for Mucopolysaccharidosis type IIIA. Last evaluated: 2024-10-04. Review status: criteria provided, single submitter. Criteria: ACMG Guidelines, 2015. Collection method: research. Allele origin: germline. Affected: yes.
Comment: PVS1,PM2

NM_000199.5(SGSH):c.1175del (p.Phe392fs)

Gene: SGSH (N-sulfoglucosamine sulfohydrolase; minus strand). Cytogenetic location: 17q25.3.
Variant type: Deletion.
Coding change: c.1175del on transcript NM_000199.5 (MANE Select); coding-DNA position 1175, one base deleted (T; older notation c.1175delT).
Protein change: p.Phe392fs; shifts the reading frame from phenylalanine 392.
Molecular consequence: frameshift variant. On other transcripts: 3 prime UTR variant (2), non-coding transcript variant (1).
Genome position (GRCh38, 1-based): chr17:80,210,786, A deleted on the plus strand (T on the coding strand, the reverse complement: SGSH is on the minus strand); the first of 2 consecutive A bases (chr17:80,210,786-80,210,787); deleting either gives the same sequence. VCF-style (leftmost placement, unchanged base first): chr17-80210785-GA-G. GRCh37 (hg19) VCF-style: chr17-78184584-GA-G.
Other names: c.*262del (NM_001352921.3); c.*225del (NM_001352922.2); short protein forms F392fs.
Identifiers: ClinVar variation 3384028 (VCV003384028.1).